The following is an entry in ClinVar:

ClinVar aggregate classification (germline): Uncertain significance (1 of 4 stars; one submission).

gnomAD v4.1: 3 of 1,516,748 alleles (0.0002%); highest among the groups gnomAD compares: Non-Finnish European, 0.00026%; no homozygotes.

Submission:

Ambry Genetics
Classification: Uncertain significance. Last evaluated: 2026-08-15. Review status: criteria provided, single submitter. Criteria: Ambry Variant Classification Scheme 2023. Collection method: clinical testing. Allele origin: germline.
Comment: The p.W1459C variant (also known as c.4377G>C), located in coding exon 14 of the CDK12 gene, results from a G to C substitution at nucleotide position 4377. The tryptophan at codon 1459 is replaced by cysteine, an amino acid with highly dissimilar properties. This amino acid position is conserved. In addition, this alteration is predicted to be deleterious by in silico analysis. Based on the available evidence, the clinical significance of this variant remains unclear.

NM_016507.4(CDK12):c.4377G>C (p.Trp1459Cys)

Gene: CDK12 (cyclin dependent kinase 12; plus strand). Cytogenetic location: 17q12.
Variant type: single nucleotide variant.
Coding change: c.4377G>C on transcript NM_016507.4 (MANE Select); coding-DNA position 4377, G replaced by C.
Protein change: p.Trp1459Cys; replaces tryptophan 1459 with cysteine.
Molecular consequence: missense variant.
Genome position (GRCh38, 1-based): chr17:39,531,220, G>C. VCF-style: chr17-39531220-G-C. GRCh37 (hg19) VCF-style: chr17-37687473-G-C.
Other names: c.4350G>C, p.Trp1450Cys (NM_015083.4); short protein forms W1459C, W1450C.
Identifiers: ClinVar variation 5034154 (VCV005034154.1).
Genomic context (GRCh38, chr17:39,531,220, plus strand): 5'-CTATGGGGAGCTGGGGCCAGGAACCACTGGGGCCAGCAGCTCAGGAGCAGGCCTTCACTG[G>C]GGGGGCCCAACTCAGTCTTCTGCTTATGGAAAACTCTATCGGGGGCCTACAAGAGTCCCA-3'
Protein context (NP_057591.2, residues 1449-1469): GASSSGAGLH[Trp1459Cys]GGPTQSSAYG